The following is an entry in ClinVar:

ClinVar aggregate classification (germline): Likely pathogenic (1 of 4 stars; one submission).

Submission:

Labcorp Genetics (formerly Invitae), Labcorp
Classification: Likely pathogenic. Last evaluated: 2024-01-07. Review status: criteria provided, single submitter. Criteria: Invitae Variant Classification Sherloc (09022015). Collection method: clinical testing. Allele origin: germline.
Comment: This sequence change affects a donor splice site in intron 1 of the MCPH1 gene. It is expected to disrupt RNA splicing. Variants that disrupt the donor or acceptor splice site typically lead to a loss of protein function (PMID: 16199547), and loss-of-function variants in MCPH1 are known to be pathogenic (PMID: 20978018). This variant is not present in population databases (gnomAD no frequency). This variant has not been reported in the literature in individuals affected with MCPH1-related conditions. Algorithms developed to predict the effect of sequence changes on RNA splicing suggest that this variant may disrupt the consensus splice site. In summary, the currently available evidence indicates that the variant is pathogenic, but additional data are needed to prove that conclusively. Therefore, this variant has been classified as Likely Pathogenic.

Literature cited by the submitters: PubMed 16199547; PubMed 20978018.

NM_024596.5(MCPH1):c.22+2T>C

Gene: MCPH1 (microcephalin 1; plus strand). Cytogenetic location: 8p23.1.
Variant type: single nucleotide variant.
Coding change: c.22+2T>C on transcript NM_024596.5 (MANE Select); the canonical splice donor site of the intron after coding-DNA position 22, T replaced by C.
Molecular consequence: splice donor variant.
Genome position (GRCh38, 1-based): chr8:6,406,691, T>C. VCF-style: chr8-6406691-T-C. GRCh37 (hg19) VCF-style: chr8-6264212-T-C.
Other names: c.22+2T>C (NM_001322042.2, NM_001363980.2, NM_001363979.1 and 5 more transcripts).
Identifiers: ClinVar variation 2777489 (VCV002777489.3), dbSNP rs2486035931, ClinGen allele CA370215271.